The following is an entry in ClinVar:

NM_007294.4(BRCA1):c.5406+13T>A

Gene: BRCA1 (BRCA1 DNA repair associated; minus strand). Cytogenetic location: 17q21.31.
Variant type: single nucleotide variant.
Coding change: c.5406+13T>A on transcript NM_007294.4 (MANE Select); 13 bases into the intron after coding-DNA position 5406, T replaced by A.
Molecular consequence: intron variant.
Genome position (GRCh38, 1-based): chr17:43,049,108, A>T on the plus strand (T>A on the coding strand, the complement: BRCA1 is on the minus strand). VCF-style: chr17-43049108-A-T. GRCh37 (hg19) VCF-style: chr17-41201125-A-T.
Other names: c.1953+13T>A (NM_001408458.1, NM_001408461.1, NM_001408464.1 and 7 more transcripts); c.4515+13T>A (NM_001407967.1); c.5025+13T>A (NM_001407959.1); c.5139+13T>A (NM_001407931.1, NM_001407932.1, NM_001407928.1 and 4 more transcripts); c.5262+13T>A (NM_001407747.1, NM_001407745.1, NM_001407737.1 and 18 more transcripts); c.5022+13T>A (NM_001407962.1, NM_001407960.1); c.1593+13T>A (NM_001408512.1); c.1716+13T>A (NM_001408510.1); and 84 more.
Identifiers: ClinVar variation 868442 (VCV000868442.3), dbSNP rs2051069227, ClinGen allele CA916080824.

Conditions:
Breast-ovarian cancer, familial, susceptibility to, 1 (BROVCA1). Also called: BRCA1 Hereditary Breast and Ovarian Cancer; OVARIAN CANCER, SUSCEPTIBILITY TO. Identifiers: Orphanet 145, MedGen C2676676, MONDO:0011450, OMIM 604370. Disease mechanism: loss of function.

Submission:

Brotman Baty Institute, University of Washington
No classification provided (evidence only). Condition: Breast-ovarian cancer, familial 1. Review status: no classification provided. Collection method: in vitro. Allele origin: not applicable. Functional consequence: functionally_normal.
ClinVar note: "not provided" was previously submitted as the classification for the variant. However, the classification appeared to be based only on an observation of functional data so it was converted to no classification on 2025-07-30.